The following is an entry in ClinVar:

ClinVar aggregate classification (germline): Pathogenic. Review status: criteria provided, multiple submitters, no conflicts (2 of 4 stars). 2 submissions from 2 submitters: Pathogenic (2). Last evaluated 2023-12-26.

Conditions:
Dilated cardiomyopathy 1L (CMD1L). Identifiers: Orphanet 154, MedGen C1847667, MONDO:0011702, OMIM 606685.
Autosomal recessive limb-girdle muscular dystrophy type 2F (LGMDR6). Also called: Muscular dystrophy limb-girdle with delta-sarcoglyan deficiency; MUSCULAR DYSTROPHY, LIMB-GIRDLE, AUTOSOMAL RECESSIVE 6. Identifiers: Orphanet 219, MedGen C1832525, MONDO:0011028, OMIM 601287. Disease mechanism: Affects gamma-sarcoglycan and also disrupts the integrity of the entire sarcoglycan complex..

Submissions (2):

Labcorp Genetics (formerly Invitae), Labcorp
Classification: Pathogenic for Autosomal recessive limb-girdle muscular dystrophy type 2F. Last evaluated: 2023-12-26. Review status: criteria provided, single submitter. Criteria: Invitae Variant Classification Sherloc (09022015). Collection method: clinical testing. Allele origin: germline.
Comment: This sequence change creates a premature translational stop signal (p.Thr119Serfs*17) in the SGCD gene. It is expected to result in an absent or disrupted protein product. Loss-of-function variants in SGCD are known to be pathogenic (PMID: 8841194, 10735275, 10838250). This variant is not present in population databases (gnomAD no frequency). This premature translational stop signal has been observed in individual(s) with sarcoglycanopathy (PMID: 28687063). ClinVar contains an entry for this variant (Variation ID: 946381). For these reasons, this variant has been classified as Pathogenic.

Baylor Genetics
Classification: Pathogenic for Dilated cardiomyopathy 1L. Last evaluated: 2023-07-06. Review status: criteria provided, single submitter. Criteria: ACMG Guidelines, 2015. Collection method: clinical testing. Allele origin: unknown.

Literature cited by the submitters: PubMed 8841194 (cited by Labcorp Genetics (formerly Invitae), Labcorp); PubMed 10735275 (cited by Labcorp Genetics (formerly Invitae), Labcorp); PubMed 10838250 (cited by Labcorp Genetics (formerly Invitae), Labcorp); PubMed 28687063 (cited by Labcorp Genetics (formerly Invitae), Labcorp).

NM_000337.6(SGCD):c.354_358del (p.Thr119fs)

Gene: SGCD (sarcoglycan delta; plus strand). Cytogenetic location: 5q33.3.
Variant type: Deletion.
Coding change: c.354_358del on transcript NM_000337.6 (MANE Select); coding-DNA positions 354 to 358, 5 bases deleted (GACTA; older notation c.354_358delGACTA).
Protein change: p.Thr119fs; shifts the reading frame from threonine 119.
Molecular consequence: frameshift variant.
Genome position (GRCh38, 1-based): chr5:156,589,290-156,589,294, GACTA deleted; deleting any 5 consecutive bases within chr5:156,589,289-156,589,294 gives the same sequence; the c. name uses the placement nearest the transcript's 3' end. VCF-style (leftmost placement, unchanged base first): chr5-156589288-CAGACT-C. GRCh37 (hg19) VCF-style: chr5-156016298-CAGACT-C.
Other names: c.351_355del, p.Thr118fs (NM_001128209.2); c.354_358del, p.Thr119fs (NM_172244.3); short protein forms T118fs, T119fs.
Identifiers: ClinVar variation 946381 (VCV000946381.5), dbSNP rs1760626889, ClinGen allele CA1139659222.